The following is an entry in ClinVar:

NM_032444.4(SLX4):c.2328-9G>C

Gene: SLX4 (SLX4 structure-specific endonuclease subunit; minus strand). Cytogenetic location: 16p13.3.
Variant type: single nucleotide variant.
Coding change: c.2328-9G>C on transcript NM_032444.4 (MANE Select); 9 bases into the intron before coding-DNA position 2328, G replaced by C.
Molecular consequence: intron variant.
Genome position (GRCh38, 1-based): chr16:3,591,319, C>G on the plus strand (G>C on the coding strand, the complement: SLX4 is on the minus strand). VCF-style: chr16-3591319-C-G. GRCh37 (hg19) VCF-style: chr16-3641320-C-G.
Other names: c.2328-9G>C (LRG_503t1).
Identifiers: ClinVar variation 456300 (VCV000456300.22), dbSNP rs73505419, ClinGen allele CA7866178.
Genomic context (GRCh38, chr16:3,591,319, plus strand): 5'-AGTGGCAATAGGCACCTGTTCGCACAGGTGAACGAGCTCACTCACGCCAAACCTGCAACA[C>G]GAAACATCGACAGTCATCGCCCCTCTGCGTGGAGATGGGCTCTGGGTGCCCCGGTGGGGT-3'

ClinVar aggregate classification (germline): Benign/Likely benign. Review status: criteria provided, multiple submitters, no conflicts (2 of 4 stars). 9 submissions from 9 submitters: Benign (1); Likely benign (6). 2 of the submissions do not count toward it. Last evaluated 2026-01-28.

Conditions:
SLX4-related disorder. Also called: SLX4-related condition.
Fanconi anemia complementation group P. Also called: SLX4-Related Fanconi Anemia. Identifiers: Orphanet 84, MedGen C3469542, MONDO:0013499, OMIM 613951.
Fanconi anemia (FA). Also called: Fanconi's anemia. Identifiers: Orphanet 84, MedGen C0015625, MeSH D005199, MONDO:0019391.

Allele frequency attached by ClinVar (database versions not stated): 1000 Genomes Project 0.00140; 1000 Genomes Project 30x 0.00187; gnomAD 0.00188; TOPMed 0.00198; ESP Exome Variant Server 0.00254.
gnomAD v4.1: 623 of 1,609,618 alleles (0.039%); highest among the groups gnomAD compares: African/African-American, 0.69%; no homozygotes.

Submissions (9):

Labcorp Genetics (formerly Invitae), Labcorp
Classification: Benign for Fanconi anemia. Last evaluated: 2026-01-28. Review status: criteria provided, single submitter. Criteria: Invitae Variant Classification Sherloc (09022015). Collection method: clinical testing. Allele origin: germline.

ARUP Laboratories, Molecular Genetics and Genomics, ARUP Laboratories
Classification: Likely benign for Fanconi anemia complementation group P. Last evaluated: 2025-01-13. Review status: criteria provided, single submitter. Criteria: ARUP Molecular Germline Variant Investigation Process 2024. Collection method: clinical testing. Allele origin: germline.

Blueprint Genetics
Classification: Likely benign. Last evaluated: 2024-10-17. Review status: criteria provided, single submitter. Criteria: ACMG Guidelines, 2015. Collection method: clinical testing. Allele origin: germline.

Sema4
Classification: Likely benign for Fanconi anemia. Last evaluated: 2021-11-26. Review status: criteria provided, single submitter. Criteria: Sema4 Curation Guidelines. Collection method: curation. Allele origin: germline.

Fulgent Genetics
Classification: Likely benign for Fanconi anemia complementation group P. Last evaluated: 2021-09-13. Review status: criteria provided, single submitter. Criteria: ACMG Guidelines, 2015. Collection method: clinical testing. Allele origin: unknown.

Genetic Services Laboratory, University of Chicago
Classification: Likely benign. Last evaluated: 2020-12-17. Review status: criteria provided, single submitter. Criteria: ACMG Guidelines, 2015. Collection method: clinical testing. Allele origin: germline. Affected: no.

Breakthrough Genomics
Classification: Likely benign. Review status: criteria provided, single submitter. Criteria: ACMG Guidelines, 2015. Collection method: not provided. Allele origin: germline. Inheritance: Autosomal recessive inheritance. Affected: yes.

PreventionGenetics, part of Exact Sciences
Classification: Likely benign for SLX4-related condition. Last evaluated: 2020-01-02. Review status: no assertion criteria provided. Collection method: clinical testing. Allele origin: germline. Not counted in ClinVar's aggregate classification.
Comment: This variant is classified as likely benign based on ACMG/AMP sequence variant interpretation guidelines (Richards et al. 2015 PMID: 25741868, with internal and published modifications).

Leiden Open Variation Database
Classification: Likely benign. Last evaluated: 2012-08-31. Review status: no assertion criteria provided. Collection method: curation. Allele origin: germline. Affected: yes. Not counted in ClinVar's aggregate classification.
Comment: Curator: Arleen D. Auerbach. Submitter to LOVD: Janine Bakker.

Literature cited by the submitters: PubMed 22911665 (cited by Sema4 and Leiden Open Variation Database).